The following is an entry in ClinVar:

ClinVar aggregate classification (germline): Likely pathogenic. Review status: criteria provided, single submitter (1 of 4 stars). 2 submissions from 2 submitters: Likely pathogenic (1). 1 of the submissions does not count toward it.

Conditions:
Charcot-Marie-Tooth disease. Also called: Charcot-Marie-Tooth Hereditary Neuropathy; Charcot-Marie-Tooth Neuropathy. Identifiers: Orphanet 166, MedGen C0007959, MONDO:0015626.
Charcot-Marie-Tooth disease type 2A2. Also called: CHARCOT-MARIE-TOOTH DISEASE, AXONAL, AUTOSOMAL DOMINANT, TYPE 2A2A; CHARCOT-MARIE-TOOTH DISEASE, NEURONAL, TYPE 2A2; HEREDITARY MOTOR AND SENSORY NEUROPATHY IIA2; HMSN IIA2; CHARCOT-MARIE-TOOTH DISEASE, AXONAL, TYPE 2A2; Charcot-Marie-Tooth Neuropathy Type 2A2. Identifiers: Orphanet 99947, MedGen C4721887, MONDO:0012231, OMIM 609260.

Submissions (2):

Clinical Biomedical Laboratory, Shriners Hospital For Children - Canada
Classification: Likely pathogenic for Charcot-Marie-Tooth disease type 2A2. Review status: criteria provided, single submitter. Criteria: ACMG Guidelines, 2015. Collection method: clinical testing. Allele origin: germline. Affected: yes.
Comment: The variant changes a glutamine residue in MFN2 to an arginine residue. The variant is present in the gnomAD database (v2.1.1) with a low frequency, indicating it is a rare variant. Prediction algorithms indicate that the variant has a damaging effect on the protein (REVEL score: 0.773). The variant has been reported as a cause of Charcot-Marie-Tooth disease 2A (e.g. PMID 17502546). Based on the ACMG variant interpretation guidelines (criteria: PM2, PP2, PP3, PP4), the available evidence supports classification of this variant as likely pathogenic.

Inherited Neuropathy Consortium
Classification: Uncertain significance for Charcot-Marie-Tooth disease. Review status: no assertion criteria provided. Collection method: literature only. Allele origin: germline. Affected: yes. Not counted in ClinVar's aggregate classification.

Literature cited by the submitters: PubMed 17502546 (cited by Inherited Neuropathy Consortium).

NM_014874.4(MFN2):c.134A>G (p.Gln45Arg)

Gene: MFN2 (mitofusin 2; plus strand). Cytogenetic location: 1p36.22.
Variant type: single nucleotide variant.
Coding change: c.134A>G on transcript NM_014874.4 (MANE Select); coding-DNA position 134, A replaced by G.
Protein change: p.Gln45Arg; replaces glutamine 45 with arginine.
Molecular consequence: missense variant.
Genome position (GRCh38, 1-based): chr1:11,989,302, A>G. VCF-style: chr1-11989302-A-G. GRCh37 (hg19) VCF-style: chr1-12049359-A-G.
Other names: c.134A>G, p.Gln45Arg (NM_001127660.2); short protein forms Q45R.
Identifiers: ClinVar variation 637287 (VCV000637287.2), dbSNP rs1569802992, ClinGen allele CA338459844.